The following is an entry in ClinVar:

ClinVar aggregate classification (germline): Uncertain significance (1 of 4 stars; one submission).

Submission:

Dasa
Classification: Uncertain significance. Last evaluated: 2026-02-22. Review status: criteria provided, single submitter. Criteria: DASA Assertion Criteria. Collection method: clinical testing. Allele origin: germline.
Comment: NM_003334.4(UBA1):c.585T>A (p.Phe195Leu) is a missense variant that results in the substitution of phenylalanine with leucine. This variant is rare in population databases. The currently available literature and clinical evidence are not sufficient to establish a definitive association between this variant and the reported condition. Therefore, this variant is classified as a variant of uncertain significance.

NM_003334.4(UBA1):c.585T>A (p.Phe195Leu)

Gene: UBA1 (ubiquitin like modifier activating enzyme 1; plus strand). Cytogenetic location: Xp11.3.
Variant type: single nucleotide variant.
Coding change: c.585T>A on transcript NM_003334.4 (MANE Select); coding-DNA position 585, T replaced by A.
Protein change: p.Phe195Leu; replaces phenylalanine 195 with leucine.
Molecular consequence: missense variant.
Genome position (GRCh38, 1-based): chrX:47,200,998, T>A. VCF-style: chrX-47200998-T-A. GRCh37 (hg19) VCF-style: chrX-47060397-T-A.
Other names: c.627T>A, p.Phe209Leu (NM_001440807.1); c.603T>A, p.Phe201Leu (NM_001440809.1, NM_001440810.1); c.585T>A, p.Phe195Leu (NM_001440811.1, NM_001440812.1, NM_153280.3); short protein forms F195L, F201L, F209L.
Identifiers: ClinVar variation 4885556 (VCV004885556.2).
Genomic context (GRCh38, chrX:47,200,998, plus strand): 5'-GGGTGAGTTCTGTCACAACCGTGGCATCAAGCTGGTGGTGGCAGACACGCGGGGCCTGTT[T>A]GGGTGAGTGGCAGCCCACCTCCCTCCCTGTCCCCTTTTCCCCCAACTCCTACCAAGCCCA-3'
Protein context (NP_003325.2, residues 185-205): KLVVADTRGL[Phe195Leu]GQLFCDFGEE